The following is an entry in ClinVar:

ClinVar aggregate classification (germline): Likely benign. Review status: criteria provided, multiple submitters, no conflicts (2 of 4 stars). 4 submissions from 4 submitters: Likely benign (4). Last evaluated 2025-05-13.

Conditions:
Inborn genetic diseases. Identifiers: MedGen C0950123, MeSH D030342.

Allele frequency attached by ClinVar (database versions not stated): ESP Exome Variant Server 0.00008; TOPMed 0.00008; ExAC 0.00009; gnomAD exomes 0.00010 and 0.00011; gnomAD 0.00013 and 0.00014.
gnomAD v4.1: 166 of 1,613,932 alleles (0.01%); highest among the groups gnomAD compares: Non-Finnish European, 0.012%; no homozygotes.

Submissions (4):

Labcorp Genetics (formerly Invitae), Labcorp
Classification: Likely benign. Last evaluated: 2025-05-13. Review status: criteria provided, single submitter. Criteria: Invitae Variant Classification Sherloc (09022015). Collection method: clinical testing. Allele origin: germline.

CeGaT Center for Human Genetics Tuebingen
Classification: Likely benign. Last evaluated: 2025-05-01. Review status: criteria provided, single submitter. Criteria: CeGaT Center For Human Genetics Tuebingen Variant Classification Criteria Version 2. Collection method: clinical testing. Allele origin: germline. Affected: yes. Observed: 5 variant alleles.
Comment: ARID1B: BP4, BP7

Blueprint Genetics
Classification: Likely benign. Last evaluated: 2024-10-16. Review status: criteria provided, single submitter. Criteria: ACMG Guidelines, 2015. Collection method: clinical testing. Allele origin: germline.

Ambry Genetics
Classification: Likely benign for Inborn genetic diseases. Last evaluated: 2018-11-15. Review status: criteria provided, single submitter. Criteria: Ambry Variant Classification Scheme 2023. Collection method: clinical testing. Allele origin: germline.

NM_001374828.1(ARID1B):c.5601C>T (p.Asp1867=)

Gene: ARID1B (AT-rich interaction domain 1B; plus strand). Cytogenetic location: 6q25.3.
Variant type: single nucleotide variant.
Coding change: c.5601C>T on transcript NM_001374828.1 (MANE Select); coding-DNA position 5601, C replaced by T.
Protein change: p.Asp1867=; no amino-acid change (aspartic acid 1867 retained).
Molecular consequence: synonymous variant.
Genome position (GRCh38, 1-based): chr6:157,206,373, C>T. VCF-style: chr6-157206373-C-T. GRCh37 (hg19) VCF-style: chr6-157527507-C-T.
Other names: c.5232C>T (NM_020732.3); c.3102C>T, p.Asp1034= (NM_001363725.2); c.5481C>T, p.Asp1827= (NM_001371656.1, NM_001374820.1); c.5442C>T, p.Asp1814= (NM_017519.3).
Identifiers: ClinVar variation 1670717 (VCV001670717.42), dbSNP rs368980689, ClinGen allele CA4067869.
Genomic context (GRCh38, chr6:157,206,373, plus strand): 5'-GGCAGACGATTCTGGGAAAGAGGAGGAAGATGCTGAATGTATTGATGACGACGAGGAAGA[C>T]GAGGAGGATGAGGAGGAAGACAGCGAGAAGACAGAAAGCGATGAAAAGAGCAGCATCGCT-3'
Protein context (NP_001361757.1, residues 1857-1877): DAECIDDDEE[Asp1867=]EEDEEEDSEK